The following is an entry in ClinVar:

ClinVar aggregate classification (germline): Benign/Likely benign. Review status: criteria provided, multiple submitters, no conflicts (2 of 4 stars). 26 submissions from 19 submitters: Benign (18); Likely benign (3). 5 of the submissions do not count toward it. Last evaluated 2026-02-03.

Conditions:
Dilated cardiomyopathy 1G (CMD1G). Identifiers: Orphanet 154, MedGen C1858763, MONDO:0011400, OMIM 604145.
Autosomal recessive limb-girdle muscular dystrophy type 2J (LGMDR10). Also called: MUSCULAR DYSTROPHY, LIMB-GIRDLE, AUTOSOMAL RECESSIVE 10; Limb-girdle muscular dystrophy, type 2J. Identifiers: Orphanet 140922, MedGen C1837342, MONDO:0012127, OMIM 608807.
Cardiovascular phenotype. Identifiers: MedGen CN230736.
Early-onset myopathy with fatal cardiomyopathy (CMYO5). Also called: CONGENITAL MYOPATHY 5 WITH CARDIOMYOPATHY; Salih Myopathy. Identifiers: Orphanet 289377, MedGen C2673677, MONDO:0012714, OMIM 611705. Disease mechanism: loss of function.
Myopathy, myofibrillar, 9, with early respiratory failure (MFM9). Also called: Myopathy, distal, with early respiratory failure, autosomal dominant; Hereditary myopathy with early respiratory failure; MYOPATHY, PROXIMAL, WITH EARLY RESPIRATORY MUSCLE INVOLVEMENT; EDSTROM MYOPATHY. Identifiers: Orphanet 178464, Orphanet 34521, MedGen C1863599, MONDO:0011362, OMIM 603689.
Tibial muscular dystrophy (TMD). Also called: Udd Distal Myopathy – Tibial Muscular Dystrophy; Tibial muscular dystrophy, tardive; UDD MYOPATHY. Identifiers: Orphanet 609, MedGen C1838244, MONDO:0010870, OMIM 600334.

Allele frequency attached by ClinVar (database versions not stated): ExAC 0.01017; 1000 Genomes Project 30x 0.01374; gnomAD 0.00468 and 0.00566; gnomAD exomes 0.00716 and 0.00955; ESP Exome Variant Server 0.00386; TOPMed 0.00479; 1000 Genomes Project 0.01318.
gnomAD v4.1: 11,350 of 1,613,278 alleles (0.7%); highest among the groups gnomAD compares: East Asian, 2.8%; 111 homozygotes.

Submissions (26):

Labcorp Genetics (formerly Invitae), Labcorp
Classification: Benign for Dilated cardiomyopathy 1G; Autosomal recessive limb-girdle muscular dystrophy type 2J. Last evaluated: 2026-02-03. Review status: criteria provided, single submitter. Criteria: Invitae Variant Classification Sherloc (09022015). Collection method: clinical testing. Allele origin: germline.

ARUP Laboratories, Molecular Genetics and Genomics, ARUP Laboratories
Classification: Benign. Last evaluated: 2025-06-23. Review status: criteria provided, single submitter. Criteria: ARUP Molecular Germline Variant Investigation Process 2024. Collection method: clinical testing. Allele origin: germline.

Molecular Diagnostic Laboratory for Inherited Cardiovascular Disease, Montreal Heart Institute
Classification: Benign. Last evaluated: 2025-04-09. Review status: criteria provided, single submitter. Criteria: ACMG Guidelines, 2015. Collection method: clinical testing. Allele origin: germline. Affected: no.

Blueprint Genetics
Classification: Benign. Last evaluated: 2024-11-26. Review status: criteria provided, single submitter. Criteria: ACMG Guidelines, 2015. Collection method: clinical testing. Allele origin: germline.

Athena Diagnostics
Classification: Benign. Last evaluated: 2023-11-02. Review status: criteria provided, single submitter. Criteria: Athena Diagnostics Criteria. Collection method: clinical testing. Allele origin: unknown.

Genome-Nilou Lab
Classification: Benign for Autosomal recessive limb-girdle muscular dystrophy type 2J. Last evaluated: 2021-09-10. Review status: criteria provided, single submitter. Criteria: ACMG Guidelines, 2015. Collection method: clinical testing. Allele origin: germline. Affected: no.

Genome-Nilou Lab
Classification: Benign for Myopathy, myofibrillar, 9, with early respiratory failure. Last evaluated: 2021-09-10. Review status: criteria provided, single submitter. Criteria: ACMG Guidelines, 2015. Collection method: clinical testing. Allele origin: germline. Affected: no.

Genome-Nilou Lab
Classification: Benign for Early-onset myopathy with fatal cardiomyopathy. Last evaluated: 2021-09-10. Review status: criteria provided, single submitter. Criteria: ACMG Guidelines, 2015. Collection method: clinical testing. Allele origin: germline. Affected: no.

Genome-Nilou Lab
Classification: Benign for Tibial muscular dystrophy. Last evaluated: 2021-09-10. Review status: criteria provided, single submitter. Criteria: ACMG Guidelines, 2015. Collection method: clinical testing. Allele origin: germline. Affected: no.

Women's Health and Genetics/Laboratory Corporation of America, LabCorp
Classification: Benign. Last evaluated: 2020-01-06. Review status: criteria provided, single submitter. Criteria: LabCorp Variant Classification Summary - May 2015. Collection method: clinical testing. Allele origin: germline.

Mayo Clinic Laboratories, Mayo Clinic
Classification: Benign. Last evaluated: 2018-05-10. Review status: criteria provided, single submitter. Criteria: ACMG Guidelines, 2015. Collection method: clinical testing. Allele origin: germline. Observed: 25 variant alleles.

Illumina Laboratory Services, Illumina
Classification: Benign for Myopathy, myofibrillar, 9, with early respiratory failure. Last evaluated: 2018-01-12. Review status: criteria provided, single submitter. Criteria: ICSL Variant Classification Criteria 13 December 2019. Collection method: clinical testing. Allele origin: germline.
Comment: This variant was observed in the ICSL laboratory as part of a predisposition screen in an ostensibly healthy population. It had not been previously curated by ICSL or reported in the Human Gene Mutation Database (HGMD: prior to June 1st, 2018), and was therefore a candidate for classification through an automated scoring system. Utilizing variant allele frequency, disease prevalence and penetrance estimates, and inheritance mode, an automated score was calculated to assess if this variant is too frequent to cause the disease. Based on the score and internal cut-off values, a variant classified as benign is not then subjected to further curation. The score for this variant resulted in a classification of benign for this disease.

Illumina Laboratory Services, Illumina
Classification: Likely benign for Autosomal recessive limb-girdle muscular dystrophy type 2J. Last evaluated: 2018-01-12. Review status: criteria provided, single submitter. Criteria: ICSL Variant Classification Criteria 13 December 2019. Collection method: clinical testing. Allele origin: germline.
Comment: This variant was observed in the ICSL laboratory as part of a predisposition screen in an ostensibly healthy population. It had not been previously curated by ICSL or reported in the Human Gene Mutation Database (HGMD: prior to June 1st, 2018), and was therefore a candidate for classification through an automated scoring system. Utilizing variant allele frequency, disease prevalence and penetrance estimates, and inheritance mode, an automated score was calculated to assess if this variant is too frequent to cause the disease. Based on the score and internal cut-off values, a variant classified as likely benign is not then subjected to further curation. The score for this variant resulted in a classification of likely benign for this disease.

Illumina Laboratory Services, Illumina
Classification: Benign for Early-onset myopathy with fatal cardiomyopathy. Last evaluated: 2018-01-12. Review status: criteria provided, single submitter. Criteria: ICSL Variant Classification Criteria 13 December 2019. Collection method: clinical testing. Allele origin: germline.
Comment: the same text as in the submission from Illumina Laboratory Services, Illumina above.

Illumina Laboratory Services, Illumina
Classification: Benign for Tibial muscular dystrophy. Last evaluated: 2018-01-12. Review status: criteria provided, single submitter. Criteria: ICSL Variant Classification Criteria 13 December 2019. Collection method: clinical testing. Allele origin: germline.
Comment: the same text as in the submission from Illumina Laboratory Services, Illumina above.

Illumina Laboratory Services, Illumina
Classification: Likely benign for Dilated cardiomyopathy 1G. Last evaluated: 2018-01-12. Review status: criteria provided, single submitter. Criteria: ICSL Variant Classification Criteria 13 December 2019. Collection method: clinical testing. Allele origin: germline.
Comment: the same text as in the submission from Illumina Laboratory Services, Illumina above.

Eurofins Ntd Llc (ga)
Classification: Benign. Last evaluated: 2015-09-01. Review status: criteria provided, single submitter. Criteria: EGL Classification Definitions 2015. Collection method: clinical testing. Allele origin: germline. Observed: 2 variant alleles, 2 heterozygotes.

GeneDx
Classification: Benign. Last evaluated: 2014-04-19. Review status: criteria provided, single submitter. Criteria: GeneDx Variant Classification (06012015). Collection method: clinical testing. Allele origin: germline. Affected: yes.
Comment: This variant is considered likely benign or benign based on one or more of the following criteria: it is a conservative change, it occurs at a poorly conserved position in the protein, it is predicted to be benign by multiple in silico algorithms, and/or has population frequency not consistent with disease.

Ambry Genetics
Classification: Benign for Cardiovascular phenotype. Last evaluated: 2013-07-17. Review status: criteria provided, single submitter. Criteria: Ambry Autosomal Dominant and X-Linked criteria (10/2015). Collection method: clinical testing. Allele origin: germline. Observed: 1 variant allele.

Laboratory for Molecular Medicine, Mass General Brigham Personalized Medicine
Classification: Benign. Last evaluated: 2011-12-16. Review status: criteria provided, single submitter. Criteria: LMM Criteria. Collection method: clinical testing. Allele origin: germline. Observed: 32 variant alleles.

Breakthrough Genomics
Classification: Likely benign. Review status: criteria provided, single submitter. Criteria: ACMG Guidelines, 2015. Collection method: not provided. Allele origin: germline. Inheritance: Autosomal recessive inheritance. Affected: yes.

Clinical Genetics DNA and cytogenetics Diagnostics Lab, Erasmus MC, Erasmus Medical Center
Classification: Benign. Review status: no assertion criteria provided. Collection method: clinical testing. Allele origin: germline. Affected: yes. Study: VKGL Data-share Consensus. Not counted in ClinVar's aggregate classification.

Diagnostic Laboratory, Department of Genetics, University Medical Center Groningen
Classification: Likely benign. Review status: no assertion criteria provided. Collection method: clinical testing. Allele origin: germline. Affected: yes. Study: VKGL Data-share Consensus. Not counted in ClinVar's aggregate classification.

Genetic Services Laboratory, University of Chicago
Classification: Likely benign for AllHighlyPenetrant. Review status: no assertion criteria provided. Collection method: clinical testing. Allele origin: germline. Not counted in ClinVar's aggregate classification.
Comment: Likely benign based on allele frequency in 1000 Genomes Project or ESP global frequency and its presence in a patient with a rare or unrelated disease phenotype. NOT Sanger confirmed.

Joint Genome Diagnostic Labs from Nijmegen and Maastricht, Radboudumc and MUMC+
Classification: Benign. Review status: no assertion criteria provided. Collection method: clinical testing. Allele origin: germline. Affected: yes. Study: VKGL Data-share Consensus. Not counted in ClinVar's aggregate classification.

Laboratory of Diagnostic Genome Analysis, Leiden University Medical Center (LUMC)
Classification: Likely benign. Review status: no assertion criteria provided. Collection method: clinical testing. Allele origin: germline. Affected: yes. Study: VKGL Data-share Consensus. Not counted in ClinVar's aggregate classification.

NM_001267550.2(TTN):c.64032C>T (p.Asn21344=)

Genes: TTN (titin; minus strand), TTN-AS1 (TTN antisense RNA 1; plus strand). Cytogenetic location: 2q31.2.
Variant type: single nucleotide variant.
Coding change: c.64032C>T on transcript NM_001267550.2 (MANE Select); coding-DNA position 64032, C replaced by T.
Protein change: p.Asn21344=; no amino-acid change (asparagine 21344 retained).
Molecular consequence: synonymous variant.
Genome position (GRCh38, 1-based): chr2:178,587,179, G>A on the plus strand (C>T on the coding strand, the complement: TTN is on the minus strand). VCF-style: chr2-178587179-G-A. GRCh37 (hg19) VCF-style: chr2-179451906-G-A.
Other names: p.N19703N:AAC>AAT; p.Asn18776=; c.59109C>T, p.Asn19703= (NM_001256850.1); c.36837C>T, p.Asn12279= (NM_003319.4); c.56328C>T, p.Asn18776= (NM_133378.4); c.37212C>T, p.Asn12404= (NM_133432.3); c.37413C>T, p.Asn12471= (NM_133437.4).
Identifiers: ClinVar variation 47205 (VCV000047205.53), dbSNP rs72646857, ClinGen allele CA283584.